The following is an entry in ClinVar:

NM_001042750.2(STAG2):c.1595C>T (p.Ala532Val)

Gene: STAG2 (STAG2 cohesin complex component; plus strand). Cytogenetic location: Xq25.
Variant type: single nucleotide variant.
Coding change: c.1595C>T on transcript NM_001042750.2 (MANE Select); coding-DNA position 1595, C replaced by T.
Protein change: p.Ala532Val; replaces alanine 532 with valine.
Molecular consequence: missense variant.
Genome position (GRCh38, 1-based): chrX:124,061,831, C>T. VCF-style: chrX-124061831-C-T. GRCh37 (hg19) VCF-style: chrX-123195681-C-T.
Other names: c.1595C>T, p.Ala532Val (NM_001042749.2, NM_001042751.2, NM_001282418.2 and 13 more transcripts); short protein forms A532V.
Identifiers: ClinVar variation 2504436 (VCV002504436.2), dbSNP rs2148312064, ClinGen allele CA414279738.

ClinVar aggregate classification (germline): Uncertain significance. Review status: criteria provided, multiple submitters, no conflicts (2 of 4 stars). 2 submissions from 2 submitters: Uncertain significance (2). Last evaluated 2022-12-04.

Conditions:
STAG2-related disorder. Also called: STAG2-Related Disorders.

Submissions (2):

GeneDx
Classification: Uncertain significance. Last evaluated: 2022-12-04. Review status: criteria provided, single submitter. Criteria: GeneDx Variant Classification Process June 2021. Collection method: clinical testing. Allele origin: germline. Affected: yes.
Comment: Not observed at significant frequency in large population cohorts (gnomAD); In silico analysis supports that this missense variant has a deleterious effect on protein structure/function; Has not been previously published as pathogenic or benign to our knowledge

PreventionGenetics, part of Exact Sciences
Classification: Uncertain significance for STAG2-related condition. Last evaluated: 2022-09-06. Review status: criteria provided, single submitter. Criteria: ACMG Guidelines, 2015. Collection method: clinical testing. Allele origin: germline.
Comment: The STAG2 c.1595C>T variant is predicted to result in the amino acid substitution p.Ala532Val. To our knowledge, this variant has not been reported in the literature or in a large population database, indicating this variant is rare. At this time, the clinical significance of this variant is uncertain due to the absence of conclusive functional and genetic evidence.